The following is an entry in ClinVar:

ClinVar aggregate classification (germline): Conflicting classifications of pathogenicity. Review status: criteria provided, conflicting classifications (1 of 4 stars). 5 submissions from 5 submitters: Likely pathogenic (2); Uncertain significance (1). 2 of the submissions do not count toward it. Last evaluated 2025-10-07.

Conditions:
KMT2D-related disorder. Also called: KMT2D-Related Disorders.
Primary immunodeficiency or monogenic inflammatory bowel disease.
Kabuki syndrome 1 (KABUK1). Also called: KMT2D-Related Kabuki Syndrome. Identifiers: Orphanet 2322, MedGen CN030661, MONDO:0007843, OMIM 147920.

Submissions (5):

GeneDx
Classification: Uncertain significance. Last evaluated: 2025-10-07. Review status: criteria provided, single submitter. Criteria: GeneDx Variant Classification Process June 2021. Collection method: clinical testing. Allele origin: germline. Affected: yes.
Comment: Identified in cohorts of patients with a diagnosis of Kabuki syndrome; however, detailed clinical and segregation information were not included (PMID: 30459467, 30107592, 35904121); Not observed at significant frequency in large population cohorts (gnomAD); In silico analysis supports that this missense variant has a deleterious effect on protein structure/function; This variant is associated with the following publications: (PMID: 30459467, 30107592, 35904121, 25142838, 38090150, Bonuccelli2023[article])

North West Genomic Laboratory Hub, Manchester University NHS Foundation Trust
Classification: Likely pathogenic for Primary immunodeficiency or monogenic inflammatory bowel disease. Last evaluated: 2025-06-16. Review status: criteria provided, single submitter. Criteria: ACGS Best Practice Guidelines for Variant Classification in Rare Disease 2024. Collection method: clinical testing. Allele origin: germline. Affected: yes.
Comment: PS2_Mod PM2_Mod PM1_Mod PS4_Mod PP3_Supp

Clinical Genomics Laboratory, Washington University in St. Louis
Classification: Likely pathogenic for Kabuki syndrome 1. Last evaluated: 2024-03-21. Review status: criteria provided, single submitter. Criteria: ACMG Guidelines, 2015. Collection method: clinical testing. Allele origin: germline. Affected: yes.
Comment: The KMT2D c.16498C>T (p.Arg5500Trp) variant has been reported in at least four individuals with a clinical diagnosis of Kabuki syndrome (Cocciadiferro D et al., PMID: 30107592; Levy MA et al., PMID: 35904121; Lin JL et al., PMID: 25142838; Wu B et al). In one of these individuals, the variant occurred de novo and another had a positive EpiSign consistent with Kabuki syndrome. This variant has been reported in the ClinVar database as a germline pathogenic variant by one submitter and a variant of uncertain significance by two submitters. The variant is absent from the general population (gnomAD v.2.1.1), indicating it is not a common variant. Computational predictors indicate that the variant is damaging, evidence that correlates with impact to KMT2D function. Based on available information and the ACMG/AMP guidelines for variant interpretation (Richards S et al., PMID: 25741868), this variant is classified as likely pathogenic.

PreventionGenetics, part of Exact Sciences
Classification: Likely pathogenic for KMT2D-related condition. Last evaluated: 2024-08-29. Review status: no assertion criteria provided. Collection method: clinical testing. Allele origin: germline. Not counted in ClinVar's aggregate classification.
Comment: The KMT2D c.16498C>T variant is predicted to result in the amino acid substitution p.Arg5500Trp. This variant has been reported as de novo in an individual with Kabuki syndrome (Lin et al. 2015. PubMed ID: 25142838; Table S3, Faundes et al. 2019. PubMed ID: 30459467) and it has also been reported in an individual from a cohort of patients with Kabuki syndrome (Table S1, Levy et al. 2022. PubMed ID: 35904121). This variant has not been reported in a large population database, indicating this variant is rare. This variant is interpreted as likely pathogenic.

Autoinflammatory diseases unit, CHU de Montpellier
Classification: Pathogenic for Kabuki syndrome 1. Last evaluated: 2018-03-12. Review status: no assertion criteria provided. Collection method: clinical testing. Allele origin: de novo. Affected: yes. Not counted in ClinVar's aggregate classification.

Literature cited by the submitters: PubMed 25142838 (cited by Autoinflammatory diseases unit, CHU de Montpellier).

NM_003482.4(KMT2D):c.16498C>T (p.Arg5500Trp)

Gene: KMT2D (lysine methyltransferase 2D; minus strand). Cytogenetic location: 12q13.12.
Variant type: single nucleotide variant.
Coding change: c.16498C>T on transcript NM_003482.4 (MANE Select); coding-DNA position 16498, C replaced by T.
Protein change: p.Arg5500Trp; replaces arginine 5500 with tryptophan.
Molecular consequence: missense variant.
Genome position (GRCh38, 1-based): chr12:49,022,066, G>A on the plus strand (C>T on the coding strand, the complement: KMT2D is on the minus strand). VCF-style: chr12-49022066-G-A. GRCh37 (hg19) VCF-style: chr12-49415849-G-A.
Other names: short protein forms R5500W.
Identifiers: ClinVar variation 449044 (VCV000449044.9), dbSNP rs1555184609, ClinGen allele CA384675752.